The following is an entry in ClinVar:

NM_000038.6(APC):c.3523dup (p.Gln1175fs)

Gene: APC (APC regulator of Wnt signaling pathway; plus strand). Cytogenetic location: 5q22.2.
Variant type: Duplication.
Coding change: c.3523dup on transcript NM_000038.6 (MANE Select); coding-DNA position 3523, one base duplicated (C; older notation c.3523dupC).
Protein change: p.Gln1175fs; shifts the reading frame from glutamine 1175.
Molecular consequence: frameshift variant.
Genome position (GRCh38, 1-based): chr5:112,839,117, C duplicated. VCF-style (leftmost placement, unchanged base first): chr5-112839116-T-TC. GRCh37 (hg19) VCF-style: chr5-112174813-T-TC.
Other names: c.3448dup, p.Gln1150fs (NM_001354898.2); c.3439dup, p.Gln1147fs (NM_001354899.2); c.3400dup, p.Gln1134fs (NM_001354900.2); c.3346dup, p.Gln1116fs (NM_001354901.2); c.3250dup, p.Gln1084fs (NM_001354902.2); c.3220dup, p.Gln1074fs (NM_001354903.2); c.3145dup, p.Gln1049fs (NM_001354904.2); c.3043dup, p.Gln1015fs (NM_001354905.2); and 5 more; short protein forms Q1150fs, Q1157fs, Q1175fs, Q1193fs, Q1049fs, Q1074fs, Q1084fs, Q1116fs.
Identifiers: ClinVar variation 1388346 (VCV001388346.8), dbSNP rs2149893647, ClinGen allele CA2573138684.

ClinVar aggregate classification (germline): Pathogenic (1 of 4 stars; one submission).

Conditions:
Familial adenomatous polyposis 1 (FAP1). Also called: FAMILIAL ADENOMATOUS POLYPOSIS 1, ATTENUATED; POLYPOSIS, ADENOMATOUS INTESTINAL. Identifiers: MedGen C2713442, MONDO:0021056, OMIM 175100. Disease mechanism: loss of function.

Submission:

Labcorp Genetics (formerly Invitae), Labcorp
Classification: Pathogenic for Familial adenomatous polyposis 1. Last evaluated: 2024-05-22. Review status: criteria provided, single submitter. Criteria: Invitae Variant Classification Sherloc (09022015). Collection method: clinical testing. Allele origin: germline.
Comment: This sequence change creates a premature translational stop signal (p.Gln1175Profs*4) in the APC gene. While this is not anticipated to result in nonsense mediated decay, it is expected to disrupt the last 1669 amino acid(s) of the APC protein. This variant is not present in population databases (gnomAD no frequency). This variant has not been reported in the literature in individuals affected with APC-related conditions. ClinVar contains an entry for this variant (Variation ID: 1388346). This variant is expected to disrupt the EB1 and HDLG binding sites, which mediate interactions with the cytoskeleton (PMID: 15311282, 17293347). While functional studies have not been performed to directly test the effect on APC protein function, this suggests that disruption of the C-terminal portion of the protein is functionally important. A different truncation (p.Tyr2645Lysfs*14) that lies downstream of this variant has been determined to be pathogenic (PMID: 9824584, 1316610, 27081525, 8381579, 22135120, Invitae). This suggests that deletion of this region of the APC protein is causative of disease. For these reasons, this variant has been classified as Pathogenic.

Literature cited by the submitters: PubMed 15311282; PubMed 17293347; PubMed 9824584; PubMed 1316610; PubMed 27081525; PubMed 8381579; PubMed 22135120.